The following is an entry in ClinVar:

NM_014795.4(ZEB2):c.2242dup (p.His748fs)

Gene: ZEB2 (zinc finger E-box binding homeobox 2; minus strand). Cytogenetic location: 2q22.3.
Variant type: Duplication.
Coding change: c.2242dup on transcript NM_014795.4 (MANE Select); coding-DNA position 2242, one base duplicated (C; older notation c.2242dupC).
Protein change: p.His748fs; shifts the reading frame from histidine 748.
Molecular consequence: frameshift variant.
Genome position (GRCh38, 1-based): chr2:144,398,945, G duplicated on the plus strand (C on the coding strand, the reverse complement: ZEB2 is on the minus strand); the first of 2 consecutive G bases (chr2:144,398,945-144,398,946); duplicating either gives the same sequence. VCF-style (leftmost placement, unchanged base first): chr2-144398944-T-TG. GRCh37 (hg19) VCF-style: chr2-145156511-T-TG.
Other names: c.2170dup, p.His724fs (NM_001171653.2); short protein forms H748fs, H724fs.
Identifiers: ClinVar variation 2096865 (VCV002096865.4), dbSNP rs2549106088, ClinGen allele CA2580063852.

ClinVar aggregate classification (germline): Pathogenic (1 of 4 stars; one submission).

Conditions:
Mowat-Wilson syndrome (MOWS). Also called: Classic Mowat-Wilson Syndrome. Identifiers: Orphanet 2152, MedGen C1856113, MONDO:0009341, OMIM 235730.

Submission:

Labcorp Genetics (formerly Invitae), Labcorp
Classification: Pathogenic for Mowat-Wilson syndrome. Last evaluated: 2025-04-22. Review status: criteria provided, single submitter. Criteria: Invitae Variant Classification Sherloc (09022015). Collection method: clinical testing. Allele origin: germline.
Comment: This sequence change creates a premature translational stop signal (p.His748Profs*8) in the ZEB2 gene. It is expected to result in an absent or disrupted protein product. Loss-of-function variants in ZEB2 are known to be pathogenic (PMID: 16053902). This variant is not present in population databases (gnomAD no frequency). This variant has not been reported in the literature in individuals affected with ZEB2-related conditions. ClinVar contains an entry for this variant (Variation ID: 2096865). For these reasons, this variant has been classified as Pathogenic.

Literature cited by the submitters: PubMed 16053902.